The following is an entry in ClinVar:

NC_000002.12:g.239951006G>A

Gene: NDUFA10 (NADH:ubiquinone oxidoreductase subunit A10; minus strand). Cytogenetic location: 2q37.3.
Variant type: single nucleotide variant.
Genome position: GRCh38 VCF-style: chr2-239951006-G-A. GRCh37 (hg19) VCF-style: chr2-240890423-G-A.
Identifiers: ClinVar variation 3389445 (VCV003389445.14).

ClinVar aggregate classification (germline): Likely benign (1 of 4 stars; one submission).

gnomAD v4.1: 121 of 152,336 alleles (0.079%); highest among the groups gnomAD compares: South Asian, 1.4%; 2 homozygotes.

Submission:

CeGaT Center for Human Genetics Tuebingen
Classification: Likely benign. Last evaluated: 2024-11-01. Review status: criteria provided, single submitter. Criteria: CeGaT Center For Human Genetics Tuebingen Variant Classification Criteria Version 2. Collection method: clinical testing. Allele origin: germline. Affected: yes. Observed: 1 variant allele.
Comment: NDUFA10: BS1